The following is an entry in ClinVar:

NM_030958.3(SLCO5A1):c.2161G>C (p.Gly721Arg)

Gene: SLCO5A1 (solute carrier organic anion transporter family member 5A1; minus strand). Cytogenetic location: 8q13.3.
Variant type: single nucleotide variant.
Coding change: c.2161G>C on transcript NM_030958.3 (MANE Select); coding-DNA position 2161, G replaced by C.
Protein change: p.Gly721Arg; replaces glycine 721 with arginine.
Molecular consequence: missense variant. On other transcripts: 3 prime UTR variant (1).
Genome position (GRCh38, 1-based): chr8:69,673,255, C>G on the plus strand (G>C on the coding strand, the complement: SLCO5A1 is on the minus strand). VCF-style: chr8-69673255-C-G. GRCh37 (hg19) VCF-style: chr8-70585490-C-G.
Other names: c.*32G>C (NM_001146008.2); c.1996G>C, p.Gly666Arg (NM_001146009.1); short protein forms G666R, G721R.
Identifiers: ClinVar variation 1719129 (VCV001719129.5), dbSNP rs778213039, ClinGen allele CA4776394.
Genomic context (GRCh38, chr8:69,673,255, plus strand): 5'-AACCAAAATACACAAAACGAAACGACGTCACGTTGTACTCCCAGCAAGAACCCTGCACAC[C>G]ACATTCCTGTTGCCAGAGCATGCAGGTGGTGTCAATGACTGCTCCAAAGTAGATTGGAGT-3'
Protein context (NP_112220.2, residues 711-731): TTCMLWQQEC[Gly721Arg]VQGSCWEYNV

ClinVar aggregate classification (germline): Uncertain significance (1 of 4 stars; one submission).

Allele frequency attached by ClinVar (database versions not stated): gnomAD exomes below 0.00001; ExAC 0.00001; gnomAD 0.00002.
gnomAD v4.1: 5 of 1,614,084 alleles (0.00031%); highest among the groups gnomAD compares: Non-Finnish European, 0.00042%; no homozygotes.

Submission:

Labcorp Genetics (formerly Invitae), Labcorp
Classification: Uncertain significance. Last evaluated: 2022-09-09. Review status: criteria provided, single submitter. Criteria: Invitae Variant Classification Sherloc (09022015). Collection method: clinical testing. Allele origin: germline.
Comment: In summary, the available evidence is currently insufficient to determine the role of this variant in disease. Therefore, it has been classified as a Variant of Uncertain Significance. Algorithms developed to predict the effect of missense changes on protein structure and function are either unavailable or do not agree on the potential impact of this missense change (SIFT: "Deleterious"; PolyPhen-2: "Probably Damaging"; Align-GVGD: "Class C15"). This variant has not been reported in the literature in individuals affected with SLCO5A1-related conditions. This variant is present in population databases (rs778213039, gnomAD 0.01%). This sequence change replaces glycine, which is neutral and non-polar, with arginine, which is basic and polar, at codon 721 of the SLCO5A1 protein (p.Gly721Arg).